The following is an entry in ClinVar:

NM_153717.3(EVC):c.2842del (p.Val948fs)

Gene: EVC (EvC ciliary complex subunit 1; plus strand). Cytogenetic location: 4p16.2.
Variant type: Deletion.
Coding change: c.2842del on transcript NM_153717.3 (MANE Select); coding-DNA position 2842, one base deleted (G; older notation c.2842delG).
Protein change: p.Val948fs; shifts the reading frame from valine 948.
Molecular consequence: frameshift variant.
Genome position (GRCh38, 1-based): chr4:5,810,398, G deleted; the last of 5 consecutive G bases (chr4:5,810,394-5,810,398); deleting any one gives the same sequence. VCF-style (leftmost placement, unchanged base first): chr4-5810393-TG-T. GRCh37 (hg19) VCF-style: chr4-5812120-TG-T.
Other names: c.2842del, p.Val948fs (NM_001306090.2); short protein forms V948fs.
Identifiers: ClinVar variation 2933706 (VCV002933706.3), dbSNP rs1553896459, ClinGen allele CA645532038.

ClinVar aggregate classification (germline): Uncertain significance (1 of 4 stars; one submission).

Conditions:
Curry-Hall syndrome (WAD). Also called: WEYERS ACRODENTAL DYSOSTOSIS. Identifiers: Orphanet 952, MedGen C0457013, MONDO:0008673, OMIM 193530.
Ellis-van Creveld syndrome (EVC). Also called: EVC-Related Ellis-van Creveld Syndrome; EVC2-Related Ellis-van Creveld Syndrome; MESOECTODERMAL DYSPLASIA; Chondroectodermal dysplasia. Identifiers: Orphanet 289, MedGen C0013903, MONDO:0009162, OMIM 225500.

Submission:

Labcorp Genetics (formerly Invitae), Labcorp
Classification: Uncertain significance for Curry-Hall syndrome; Ellis-van Creveld syndrome. Last evaluated: 2023-03-31. Review status: criteria provided, single submitter. Criteria: Invitae Variant Classification Sherloc (09022015). Collection method: clinical testing. Allele origin: germline.
Comment: In summary, the available evidence is currently insufficient to determine the role of this variant in disease. Therefore, it has been classified as a Variant of Uncertain Significance. Experimental studies and prediction algorithms are not available or were not evaluated, and the functional significance of this variant is currently unknown. This variant has not been reported in the literature in individuals affected with EVC-related conditions. This variant is not present in population databases (gnomAD no frequency). This sequence change creates a premature translational stop signal (p.Val948Cysfs*22) in the EVC gene. While this is not anticipated to result in nonsense mediated decay, it is expected to disrupt the last 45 amino acid(s) of the EVC protein.